The following is an entry in ClinVar:

ClinVar aggregate classification (germline): Uncertain significance (1 of 4 stars; one submission).

Conditions:
Hereditary cancer-predisposing syndrome. Also called: Neoplastic Syndromes, Hereditary; Tumor predisposition; Hereditary Cancer Syndrome; Hereditary neoplastic syndrome. Identifiers: Orphanet 140162, MedGen C0027672, MeSH D009386, MONDO:0015356.
Familial thoracic aortic aneurysm and aortic dissection (TAAD). Also called: Thoracic aortic aneurysms and dissections. Identifiers: Orphanet 91387, MedGen C4707243, MONDO:0019625.

Submission:

Ambry Genetics
Classification: Uncertain significance for Hereditary cancer-predisposing syndrome; Familial thoracic aortic aneurysm and aortic dissection. Last evaluated: 2021-04-13. Review status: criteria provided, single submitter. Criteria: Ambry Variant Classification Scheme 2023. Collection method: clinical testing. Allele origin: germline.
Comment: The p.Q549K variant (also known as c.1645C>A), located in coding exon 11 of the SMAD4 gene, results from a C to A substitution at nucleotide position 1645. The glutamine at codon 549 is replaced by lysine, an amino acid with similar properties. This nucleotide position is highly conserved in available vertebrate species. This amino acid position is highly conserved in available vertebrate species. In addition, the in silico prediction for this alteration is inconclusive. Since supporting evidence is limited at this time, the clinical significance of this alteration remains unclear.

NM_005359.6(SMAD4):c.1645C>A (p.Gln549Lys)

Gene: SMAD4 (SMAD family member 4; plus strand). Cytogenetic location: 18q21.2.
Variant type: single nucleotide variant.
Coding change: c.1645C>A on transcript NM_005359.6 (MANE Select); coding-DNA position 1645, C replaced by A.
Protein change: p.Gln549Lys; replaces glutamine 549 with lysine.
Molecular consequence: missense variant.
Genome position (GRCh38, 1-based): chr18:51,078,453, C>A. VCF-style: chr18-51078453-C-A. GRCh37 (hg19) VCF-style: chr18-48604823-C-A.
Other names: c.1645C>A, p.Gln549Lys (NM_001407041.1, NM_001407042.1); short protein forms Q549K.
Identifiers: ClinVar variation 1777132 (VCV001777132.2), dbSNP rs1555687613, ClinGen allele CA402466218.